The following is an entry in ClinVar:

NM_002047.4(GARS1):c.982A>G (p.Asn328Asp)

Gene: GARS1 (glycyl-tRNA synthetase 1; plus strand). Cytogenetic location: 7p14.3.
Variant type: single nucleotide variant.
Coding change: c.982A>G on transcript NM_002047.4 (MANE Select); coding-DNA position 982, A replaced by G.
Protein change: p.Asn328Asp; replaces asparagine 328 with aspartic acid.
Molecular consequence: missense variant.
Genome position (GRCh38, 1-based): chr7:30,612,196, A>G. VCF-style: chr7-30612196-A-G. GRCh37 (hg19) VCF-style: chr7-30651812-A-G.
Other names: c.820A>G, p.Asn274Asp (NM_001316772.1); short protein forms N274D, N328D.
Identifiers: ClinVar variation 1972936 (VCV001972936.5), dbSNP rs1368256616, ClinGen allele CA367125168.

ClinVar aggregate classification (germline): Uncertain significance (1 of 4 stars; one submission).

Conditions:
Charcot-Marie-Tooth disease type 2. Also called: Charcot-Marie-Tooth type 2. Identifiers: Orphanet 64746, MedGen C0270914, MONDO:0018993.

Allele frequency attached by ClinVar (database versions not stated): gnomAD exomes 0.00001.
gnomAD v4.1: 3 of 1,614,108 alleles (0.00019%); highest among the groups gnomAD compares: Admixed American, 0.005%; no homozygotes.

Submission:

Labcorp Genetics (formerly Invitae), Labcorp
Classification: Uncertain significance for Charcot-Marie-Tooth disease type 2. Last evaluated: 2023-12-19. Review status: criteria provided, single submitter. Criteria: Invitae Variant Classification Sherloc (09022015). Collection method: clinical testing. Allele origin: germline.
Comment: This sequence change replaces asparagine, which is neutral and polar, with aspartic acid, which is acidic and polar, at codon 328 of the GARS protein (p.Asn328Asp). This variant is present in population databases (no rsID available, gnomAD 0.003%). This variant has not been reported in the literature in individuals affected with GARS-related conditions. ClinVar contains an entry for this variant (Variation ID: 1972936). Advanced modeling of protein sequence and biophysical properties (such as structural, functional, and spatial information, amino acid conservation, physicochemical variation, residue mobility, and thermodynamic stability) performed at Invitae indicates that this missense variant is not expected to disrupt GARS protein function with a negative predictive value of 95%. In summary, the available evidence is currently insufficient to determine the role of this variant in disease. Therefore, it has been classified as a Variant of Uncertain Significance.